The following is an entry in ClinVar:

ClinVar aggregate classification (germline): Likely benign (1 of 4 stars; one submission).

Submission:

CeGaT Center for Human Genetics Tuebingen
Classification: Likely benign. Last evaluated: 2024-07-01. Review status: criteria provided, single submitter. Criteria: CeGaT Center For Human Genetics Tuebingen Variant Classification Criteria Version 2. Collection method: clinical testing. Allele origin: germline. Affected: yes. Observed: 1 variant allele.
Comment: OR4C3: BP4, BP7

NM_001004702.2(OR4C3):c.96C>T (p.Ile32=)

Gene: OR4C3 (olfactory receptor family 4 subfamily C member 3; plus strand). Cytogenetic location: 11p11.2.
Variant type: single nucleotide variant.
Coding change: c.96C>T on transcript NM_001004702.2 (MANE Select); coding-DNA position 96, C replaced by T.
Protein change: p.Ile32=; no amino-acid change (isoleucine 32 retained).
Molecular consequence: synonymous variant.
Genome position (GRCh38, 1-based): chr11:48,325,117, C>T. VCF-style: chr11-48325117-C-T. GRCh37 (hg19) VCF-style: chr11-48346669-C-T.
Identifiers: ClinVar variation 3257655 (VCV003257655.17).